The following is an entry in ClinVar:

ClinVar aggregate classification (germline): Uncertain significance (1 of 4 stars; one submission).

Conditions:
Hypokalemic periodic paralysis, type 1. Also called: HypoPP; Hypokalemic Periodic Paralysis Type 1 (AD). Identifiers: Orphanet 681, MedGen C3714580, MONDO:0042979, OMIM 170400.
Malignant hyperthermia, susceptibility to, 5 (MHS5). Also called: CACNA1S-Related Malignant Hyperthermia Susceptibility. Identifiers: Orphanet 423, MedGen C1866077, MONDO:0011163, OMIM 601887.

gnomAD v4.1: 2 of 1,613,766 alleles (0.00012%); highest among the groups gnomAD compares: Non-Finnish European, 0.00017%; no homozygotes.

Submission:

Labcorp Genetics (formerly Invitae), Labcorp
Classification: Uncertain significance for Hypokalemic periodic paralysis, type 1; Malignant hyperthermia, susceptibility to, 5. Last evaluated: 2023-05-16. Review status: criteria provided, single submitter. Criteria: Invitae Variant Classification Sherloc (09022015). Collection method: clinical testing. Allele origin: germline.
Comment: In summary, the available evidence is currently insufficient to determine the role of this variant in disease. Therefore, it has been classified as a Variant of Uncertain Significance. Advanced modeling of protein sequence and biophysical properties (such as structural, functional, and spatial information, amino acid conservation, physicochemical variation, residue mobility, and thermodynamic stability) performed at Invitae indicates that this missense variant is not expected to disrupt CACNA1S protein function. This variant has not been reported in the literature in individuals affected with CACNA1S-related conditions. This variant is not present in population databases (gnomAD no frequency). This sequence change replaces proline, which is neutral and non-polar, with glutamine, which is neutral and polar, at codon 1782 of the CACNA1S protein (p.Pro1782Gln).

NM_000069.3(CACNA1S):c.5345C>A (p.Pro1782Gln)

Gene: CACNA1S (calcium voltage-gated channel subunit alpha1 S; minus strand). Cytogenetic location: 1q32.1.
Variant type: single nucleotide variant.
Coding change: c.5345C>A on transcript NM_000069.3 (MANE Select); coding-DNA position 5345, C replaced by A.
Protein change: p.Pro1782Gln; replaces proline 1782 with glutamine.
Molecular consequence: missense variant.
Genome position (GRCh38, 1-based): chr1:201,040,256, G>T on the plus strand (C>A on the coding strand, the complement: CACNA1S is on the minus strand). VCF-style: chr1-201040256-G-T. GRCh37 (hg19) VCF-style: chr1-201009384-G-T.
Other names: short protein forms P1782Q.
Identifiers: ClinVar variation 2950898 (VCV002950898.3), dbSNP rs1161249413, ClinGen allele CA344130433.
Genomic context (GRCh38, chr1:201,040,256, plus strand): 5'-ATGCAGCCACTGCTGTGACCCAGCCCCTGGCTCACCTTTTGGATCAGCAGGGCTGTAGCT[G>T]GTGCTGAGCACCTGGAAGTATTCTCCCTGGTGCTCCTGCTGTGGGGTGTCTCCTCATGAA-3'
Protein context (NP_000060.2, residues 1772-1792): TRENTSRCSA[Pro1782Gln]ATALLIQKAL